The following is an entry in ClinVar:

NM_007055.4(POLR3A):c.2604G>A (p.Thr868=)

Gene: POLR3A (RNA polymerase III subunit A; minus strand). Cytogenetic location: 10q22.3.
Variant type: single nucleotide variant.
Coding change: c.2604G>A on transcript NM_007055.4 (MANE Select); coding-DNA position 2604, G replaced by A.
Protein change: p.Thr868=; no amino-acid change (threonine 868 retained).
Molecular consequence: synonymous variant.
Genome position (GRCh38, 1-based): chr10:77,999,993, C>T on the plus strand (G>A on the coding strand, the complement: POLR3A is on the minus strand). VCF-style: chr10-77999993-C-T. GRCh37 (hg19) VCF-style: chr10-79759751-C-T.
Identifiers: ClinVar variation 301054 (VCV000301054.55), dbSNP rs142834115, ClinGen allele CA5571079.

ClinVar aggregate classification (germline): Conflicting classifications of pathogenicity. Review status: criteria provided, conflicting classifications (1 of 4 stars). 4 submissions from 4 submitters: Uncertain significance (1); Benign (1); Likely benign (2). Last evaluated 2026-09-01.

Conditions:
Leukodystrophy, hypomyelinating, 7, with or without oligodontia and/or hypogonadotropic hypogonadism (HLD7). Also called: LEUKODYSTROPHY, HYPOMYELINATING, 7, WITH OLIGODONTIA; LEUKODYSTROPHY, HYPOMYELINATING, 7, WITH OLIGODONTIA AND HYPOGONADOTROPIC HYPOGONADISM; LEUKODYSTROPHY, HYPOMYELINATING, 7, WITHOUT OLIGODONTIA OR HYPOGONADOTROPIC HYPOGONADISM; Ataxia, Delayed Dentition and Hypomyelination (ADDH); LEUKOENCEPHALOPATHY, HYPOMYELINATING, WITH ATAXIA AND DELAYED DENTITION; ATAXIA, DELAYED DENTITION, AND HYPOMYELINATION. Identifiers: Orphanet 137639, Orphanet 447893, Orphanet 447896, Orphanet 77295, Orphanet 88637, MedGen CN034185, MONDO:0011897, OMIM 607694.

Allele frequency attached by ClinVar (database versions not stated): TOPMed 0.00103; gnomAD exomes 0.00150 and 0.00157; ESP Exome Variant Server 0.00154; gnomAD 0.00155 and 0.00159; ExAC 0.00162; 1000 Genomes Project 30x 0.00187; 1000 Genomes Project 0.00200.
gnomAD v4.1: 2,405 of 1,614,146 alleles (0.15%); highest among the groups gnomAD compares: South Asian, 0.18%; 3 homozygotes.

Submissions (4):

CeGaT Center for Human Genetics Tuebingen
Classification: Likely benign. Last evaluated: 2026-09-01. Review status: criteria provided, single submitter. Criteria: CeGaT Center For Human Genetics Tuebingen Variant Classification Criteria Version 2. Collection method: clinical testing. Allele origin: germline. Affected: yes. Observed: 25 variant alleles.
Comment: POLR3A: BP4, BP7

Labcorp Genetics (formerly Invitae), Labcorp
Classification: Benign. Last evaluated: 2026-01-19. Review status: criteria provided, single submitter. Criteria: Invitae Variant Classification Sherloc (09022015). Collection method: clinical testing. Allele origin: germline.

Blueprint Genetics
Classification: Likely benign. Last evaluated: 2024-11-18. Review status: criteria provided, single submitter. Criteria: ACMG Guidelines, 2015. Collection method: clinical testing. Allele origin: germline.

Illumina Laboratory Services, Illumina
Classification: Uncertain significance for Leukodystrophy, hypomyelinating, 7, with or without oligodontia and/or hypogonadotropic hypogonadism. Last evaluated: 2018-01-12. Review status: criteria provided, single submitter. Criteria: ICSL Variant Classification Criteria 13 December 2019. Collection method: clinical testing. Allele origin: germline.